The following is an entry in ClinVar:

ClinVar aggregate classification (germline): Uncertain significance. Review status: criteria provided, multiple submitters, no conflicts (2 of 4 stars). 2 submissions from 2 submitters: Uncertain significance (2). Last evaluated 2016-04-23.

Conditions:
Cardiac arrhythmia, ankyrin-B-related. Also called: ANKYRIN-B SYNDROME. Identifiers: Orphanet 101016, Orphanet 768, MedGen C1970119, MONDO:0010958, OMIM 600919.
Long QT syndrome (LQTS). Identifiers: MedGen C0023976, MeSH D008133, MONDO:0002442. Disease mechanism: loss of function. Inheritance: Various modes of inheritance.

gnomAD v4.1: 1 of 1,614,168 alleles (0.000062%); highest among the groups gnomAD compares: Non-Finnish European, 0.000085%; no homozygotes.

Submissions (2):

Labcorp Genetics (formerly Invitae), Labcorp
Classification: Uncertain significance for Long QT syndrome. Last evaluated: 2016-04-23. Review status: criteria provided, single submitter. Criteria: Invitae Variant Classification Sherloc (09022015). Collection method: clinical testing. Allele origin: germline.
Comment: Algorithms developed to predict the effect of missense changes on protein structure and function do not agree on the potential impact of this missense change (SIFT: "Deleterious"; PolyPhen-2: "Probably Damaging"; Align-GVGD: "Class C0"). This variant is not present in population databases (ExAC no frequency) and has not been reported in the literature in individuals with a ANK2-related disease. In summary, this variant is a novel missense change with uncertain impact on protein function. It has been classified as a Variant of Uncertain Significance. This sequence change replaces threonine with asparagine at codon 205 of the ANK2 protein (p.Thr205Asn). The threonine residue is moderately conserved and there is a small physicochemical difference between threonine and asparagine.

Center for Genomics, Ann and Robert H. Lurie Children's Hospital of Chicago
Classification: Uncertain significance for Cardiac arrhythmia, ankyrin-B-related. Review status: criteria provided, single submitter. Criteria: ACMG Guidelines, 2015. Collection method: clinical testing. Allele origin: germline.
Comment: ANK2 NM_001148.5 exon 6 p.Thr205Asn (c.614C>A): This variant has not been reported in the literature and is not present in large control databases. This variant is present in ClinVar (Variation ID:406491). Evolutionary conservation and computational predictive tools suggest that this variant may impact the protein. In summary, data on this variant is insufficient for disease classification. Therefore, the clinical significance of this variant is uncertain.

NM_001148.6(ANK2):c.614C>A (p.Thr205Asn)

Gene: ANK2 (ankyrin 2; plus strand). Cytogenetic location: 4q26.
Variant type: single nucleotide variant.
Coding change: c.614C>A on transcript NM_001148.6 (MANE Select); coding-DNA position 614, C replaced by A.
Protein change: p.Thr205Asn; replaces threonine 205 with asparagine.
Molecular consequence: missense variant.
Genome position (GRCh38, 1-based): chr4:113,237,117, C>A. VCF-style: chr4-113237117-C-A. GRCh37 (hg19) VCF-style: chr4-114158273-C-A.
Other names: c.551C>A, p.Thr184Asn (NM_001127493.3, NM_001354239.2, NM_001354243.2 and 33 more transcripts); c.614C>A, p.Thr205Asn (NM_001354225.2, NM_001354228.2, NM_001354232.2 and 9 more transcripts); c.659C>A, p.Thr220Asn (NM_001354230.2, NM_001354231.2, NM_001354237.2 and 5 more transcripts); c.596C>A, p.Thr199Asn (NM_001354261.2, NM_001386147.1, NM_001386160.1); c.602C>A, p.Thr201Asn (NM_001354269.3, NM_001386148.2, NM_001386186.2 and 1 more transcripts); c.665C>A, p.Thr222Asn (NM_001386174.1, NM_001386175.1); short protein forms T184N, T205N, T220N, T199N, T201N, T222N.
Identifiers: ClinVar variation 406491 (VCV000406491.7), dbSNP rs1060501163, ClinGen allele CA16611378.